The following is an entry in ClinVar:

ClinVar aggregate classification (germline): Uncertain significance (1 of 4 stars; one submission).

Submission:

GeneDx
Classification: Uncertain significance. Last evaluated: 2020-01-29. Review status: criteria provided, single submitter. Criteria: GeneDx Variant Classification Process June 2021. Collection method: clinical testing. Allele origin: germline. Affected: yes.
Comment: Not observed in large population cohorts (Lek et al., 2016); In silico analysis, which includes protein predictors and evolutionary conservation, supports a deleterious effect; Has not been previously published as pathogenic or benign to our knowledge

NM_006593.4(TBR1):c.670A>G (p.Met224Val)

Gene: TBR1 (T-box brain transcription factor 1; plus strand). Cytogenetic location: 2q24.2.
Variant type: single nucleotide variant.
Coding change: c.670A>G on transcript NM_006593.4 (MANE Select); coding-DNA position 670, A replaced by G.
Protein change: p.Met224Val; replaces methionine 224 with valine.
Molecular consequence: missense variant.
Genome position (GRCh38, 1-based): chr2:161,417,080, A>G. VCF-style: chr2-161417080-A-G. GRCh37 (hg19) VCF-style: chr2-162273591-A-G.
Other names: short protein forms M224V.
Identifiers: ClinVar variation 1312902 (VCV001312902.2), dbSNP rs2105278594, ClinGen allele CA349211914.